The following is an entry in ClinVar:

NM_001378452.1(ITPR1):c.3669G>A (p.Val1223=)

Gene: ITPR1 (inositol 1,4,5-trisphosphate receptor type 1; plus strand). Cytogenetic location: 3p26.1.
Variant type: single nucleotide variant.
Coding change: c.3669G>A on transcript NM_001378452.1 (MANE Select); coding-DNA position 3669, G replaced by A.
Protein change: p.Val1223=; no amino-acid change (valine 1223 retained).
Molecular consequence: synonymous variant.
Genome position (GRCh38, 1-based): chr3:4,685,173, G>A. VCF-style: chr3-4685173-G-A. GRCh37 (hg19) VCF-style: chr3-4726857-G-A.
Other names: c.3642G>A, p.Val1214= (NM_001099952.4); c.3624G>A, p.Val1208= (NM_001168272.2); c.3597G>A, p.Val1199= (NM_002222.7).
Identifiers: ClinVar variation 741041 (VCV000741041.33), dbSNP rs201263269, ClinGen allele CA2231770.

ClinVar aggregate classification (germline): Benign/Likely benign. Review status: criteria provided, multiple submitters, no conflicts (2 of 4 stars). 5 submissions from 5 submitters: Benign (1); Likely benign (4). Last evaluated 2025-10-29.

Conditions:
Spinocerebellar ataxia type 15/16 (SCA15). Also called: Spinocerebellar Ataxia Type 15. Identifiers: Orphanet 98769, MedGen C1847725, MONDO:0011694, OMIM 606658.
Gillespie syndrome (GLSP). Also called: Aniridia, cerebellar ataxia, and mental deficiency; Aniridia-cerebellar ataxia-intellectual disability syndrome. Identifiers: Orphanet 1065, MedGen C0431401, MONDO:0008795, OMIM 206700.
Spinocerebellar ataxia type 29 (SCA29). Also called: Spinocerebellar ataxia 29, congenital nonprogressive; CEREBELLAR ATAXIA, CONGENITAL NONPROGRESSIVE, AUTOSOMAL DOMINANT. Identifiers: Orphanet 208513, MedGen C1861732, MONDO:0007298, OMIM 117360.

Allele frequency attached by ClinVar (database versions not stated): gnomAD 0.00014; TOPMed 0.00017; 1000 Genomes Project 0.00020; gnomAD exomes 0.00023 and 0.00034; 1000 Genomes Project 30x 0.00031; ExAC 0.00036.
gnomAD v4.1: 507 of 1,606,534 alleles (0.032%); highest among the groups gnomAD compares: Non-Finnish European, 0.041%; no homozygotes.

Submissions (5):

Labcorp Genetics (formerly Invitae), Labcorp
Classification: Likely benign. Last evaluated: 2025-10-29. Review status: criteria provided, single submitter. Criteria: Invitae Variant Classification Sherloc (09022015). Collection method: clinical testing. Allele origin: germline.

Blueprint Genetics
Classification: Likely benign. Last evaluated: 2024-11-18. Review status: criteria provided, single submitter. Criteria: ACMG Guidelines, 2015. Collection method: clinical testing. Allele origin: germline.

CeGaT Center for Human Genetics Tuebingen
Classification: Likely benign. Last evaluated: 2023-09-01. Review status: criteria provided, single submitter. Criteria: CeGaT Center For Human Genetics Tuebingen Variant Classification Criteria Version 2. Collection method: clinical testing. Allele origin: germline. Affected: yes. Observed: 1 variant allele.
Comment: ITPR1: BP4, BP7

Fulgent Genetics
Classification: Likely benign for Spinocerebellar ataxia type 29; Gillespie syndrome; Spinocerebellar ataxia type 15/16. Last evaluated: 2022-04-04. Review status: criteria provided, single submitter. Criteria: ACMG Guidelines, 2015. Collection method: clinical testing. Allele origin: unknown.

Athena Diagnostics
Classification: Benign. Last evaluated: 2019-02-19. Review status: criteria provided, single submitter. Criteria: Athena Diagnostics Criteria. Collection method: clinical testing. Allele origin: germline.